The following is an entry in ClinVar:

NM_001077350.3(NPRL3):c.1032-102A>G

Genes: HBA-LCR (alpha-globin locus control region; plus strand), NPRL3 (NPR3 like, GATOR1 complex subunit; minus strand). Cytogenetic location: 16p13.3.
Variant type: single nucleotide variant.
Coding change: c.1032-102A>G on transcript NM_001077350.3 (MANE Select); 102 bases into the intron before coding-DNA position 1032, A replaced by G.
Molecular consequence: intron variant.
Genome position (GRCh38, 1-based): chr16:92,827, T>C on the plus strand (A>G on the coding strand, the complement: NPRL3 is on the minus strand). VCF-style: chr16-92827-T-C. GRCh37 (hg19) VCF-style: chr16-142825-T-C.
Other names: c.798-102A>G (NM_001243247.2); c.957-102A>G (NM_001243248.2, NM_001243249.2); c.495-102A>G (NM_001039476.3).
Identifiers: ClinVar variation 1183344 (VCV001183344.7), dbSNP rs2541618, ClinGen allele CA14235436.

ClinVar aggregate classification (germline): Benign. Review status: criteria provided, multiple submitters, no conflicts (2 of 4 stars). 4 submissions from 4 submitters: Benign (4). Last evaluated 2024-07-31.

Conditions:
Epilepsy, familial focal, with variable foci 3 (FFEVF3). Identifiers: MedGen C4310708, MONDO:0014925, OMIM 617118.

Allele frequency attached by ClinVar (database versions not stated): 1000 Genomes Project 0.80531; 1000 Genomes Project 30x 0.80903; gnomAD 0.84178 and 0.84201; TOPMed 0.84706; gnomAD exomes 0.86101.
gnomAD v4.1: 1,276,944 of 1,487,162 alleles (86%); highest among the groups gnomAD compares: Admixed American, 90%; 549,147 homozygotes.

Submissions (4):

Unidad de Genómica Garrahan, Hospital de Pediatría Garrahan
Classification: Benign. Last evaluated: 2024-07-31. Review status: criteria provided, single submitter. Criteria: ACMG Guidelines, 2015. Collection method: clinical testing. Allele origin: germline. Affected: no. Observed: 73 variant alleles.
Comment: This variant is classified as Benign based on local population frequency. This variant was detected in 78% of patients studied in a panel designed for Epileptic and Developmental Encephalopathy, Progressive Myoclonus Epilepsy and Abnormal Movements and Neurodegeneration with brain iron accumulation. Number of patients: 73. Only high quality variants are reported.

Genome-Nilou Lab
Classification: Benign for Epilepsy, familial focal, with variable foci 3. Last evaluated: 2021-07-14. Review status: criteria provided, single submitter. Criteria: ACMG Guidelines, 2015. Collection method: clinical testing. Allele origin: germline. Affected: no.

GeneDx
Classification: Benign. Last evaluated: 2018-07-15. Review status: criteria provided, single submitter. Criteria: GeneDx Variant Classification Process June 2021. Collection method: clinical testing. Allele origin: germline. Affected: yes.

Breakthrough Genomics
Classification: Benign. Review status: criteria provided, single submitter. Criteria: ACMG Guidelines, 2015. Collection method: not provided. Allele origin: germline. Inheritance: Autosomal dominant inheritance. Affected: yes.